The following is an entry in ClinVar:

ClinVar aggregate classification (germline): Uncertain significance (1 of 4 stars; one submission).

Submission:

Labcorp Genetics (formerly Invitae), Labcorp
Classification: Uncertain significance. Last evaluated: 2022-11-14. Review status: criteria provided, single submitter. Criteria: Invitae Variant Classification Sherloc (09022015). Collection method: clinical testing. Allele origin: germline.
Comment: This variant is not present in population databases (gnomAD no frequency). This variant, c.511_513del, results in the deletion of 1 amino acid(s) of the ALAD protein (p.Met171del), but otherwise preserves the integrity of the reading frame. This variant has not been reported in the literature in individuals affected with ALAD-related conditions. In summary, the available evidence is currently insufficient to determine the role of this variant in disease. Therefore, it has been classified as a Variant of Uncertain Significance.

NM_000031.6(ALAD):c.508ATG[1] (p.Met171del)

Gene: ALAD (aminolevulinate dehydratase; minus strand). Cytogenetic location: 9q32.
Variant type: Microsatellite.
Coding change: c.508ATG[1] on transcript NM_000031.6 (MANE Select); one copy of the 3-base unit ATG starting at c.508; the reference has two copies in a row; one copy, 3 bases deleted.
Protein change: p.Met171del; deletes methionine 171.
Molecular consequence: inframe deletion.
Genome position (GRCh38, 1-based): chr9:113,390,462-113,390,464, CAT deleted on the plus strand (ATG on the coding strand, the reverse complement: ALAD is on the minus strand); deleting any 3 consecutive bases within chr9:113,390,462-113,390,467 gives the same sequence; the position shown is the placement nearest the transcript's 3' end. VCF-style (leftmost placement, unchanged base first): chr9-113390461-CCAT-C. GRCh37 (hg19) VCF-style: chr9-116152741-CCAT-C.
Other names: c.595ATG[1], p.Met200del (NM_001003945.3); c.484ATG[1], p.Met163del (NM_001317745.2); short protein forms M171del, M200del, M163del.
Identifiers: ClinVar variation 2094056 (VCV002094056.4), dbSNP rs2490393820, ClinGen allele CA2580616290.
Genomic context (GRCh38, chr9:113,390,461, plus strand): 5'-TTACCCTGTTGCCAAGTCCATGTGCCATCAGGGCCTCTTTGATGGCTTCCACGCGTCCAT[CCAT>C]CATGTCCGACGGGGCTACCACCTGACATCCTGGGGGGCAGAGGGTGGCCTTCAGAACTCT-3'